The following is an entry in ClinVar:

NM_000128.4(F11):c.841C>T (p.Gln281Ter)

Gene: F11 (coagulation factor XI; plus strand). Cytogenetic location: 4q35.2.
Variant type: single nucleotide variant.
Coding change: c.841C>T on transcript NM_000128.4 (MANE Select); coding-DNA position 841, C replaced by T.
Protein change: p.Gln281Ter; replaces glutamine 281 with a stop codon.
Molecular consequence: nonsense.
Genome position (GRCh38, 1-based): chr4:186,280,097, C>T. VCF-style: chr4-186280097-C-T. GRCh37 (hg19) VCF-style: chr4-187201251-C-T.
Other names: short protein forms Q281*.
Identifiers: ClinVar variation 449563 (VCV000449563.25), dbSNP rs770505620, ClinGen allele CA3163793.

ClinVar aggregate classification (germline): Pathogenic. Review status: criteria provided, multiple submitters, no conflicts (2 of 4 stars). 8 submissions from 8 submitters: Pathogenic (8). Last evaluated 2026-01-23.

Conditions:
Plasma factor XI deficiency.
F11-related disorders.
Hereditary factor XI deficiency disease. Also called: Congenital factor XI deficiency; PLASMA THROMBOPLASTIN ANTECEDENT DEFICIENCY; PTA DEFICIENCY; ROSENTHAL SYNDROME. Identifiers: Orphanet 329, MedGen C0015523, MeSH D005173, MONDO:0012897, OMIM 612416.

Allele frequency attached by ClinVar (database versions not stated): gnomAD 0.00001 and 0.00002; TOPMed 0.00005; ExAC 0.00009; gnomAD exomes 0.00009.
gnomAD v4.1: 26 of 1,614,142 alleles (0.0016%); highest among the groups gnomAD compares: East Asian, 0.04%; no homozygotes.

Submissions (8):

Natera, Inc.
Classification: Pathogenic for Plasma factor XI deficiency. Last evaluated: 2026-01-23. Review status: criteria provided, single submitter. Criteria: Natera Variant Classification Schema (03/2026). Collection method: clinical testing. Allele origin: germline.
Comment: The c.841C>T variant in F11 is a nonsense variant predicted to introduce a stop codon at amino acid 281. This variant is expected to result in nonsense mediated decay, truncation, or a dysfunctional protein product. The frequency of this variant in the general population is greater than expected for disorder. This variant has been observed in one or more individuals affected with the associated recessive disease, as either homozygous or compound heterozygous with a second variant (PMID: 27067486). Given the available evidence, this variant is classified as Pathogenic.

Blueprint Genetics
Classification: Pathogenic for F11-related disorders. Last evaluated: 2024-10-03. Review status: criteria provided, single submitter. Criteria: ACMG Guidelines, 2015. Collection method: clinical testing. Allele origin: germline. Affected: yes. Observed: 3 variant alleles.

GeneDx
Classification: Pathogenic. Last evaluated: 2024-03-19. Review status: criteria provided, single submitter. Criteria: GeneDx Variant Classification Process June 2021. Collection method: clinical testing. Allele origin: germline. Affected: yes.
Comment: Nonsense variant predicted to result in protein truncation or nonsense mediated decay in a gene for which loss of function is a known mechanism of disease; This variant is associated with the following publications: (PMID: 30487145, 26558335, 21668437, 10706758, 25681615, 10730000, 32220196, 32333264, 35314707, 32464451)

Labcorp Genetics (formerly Invitae), Labcorp
Classification: Pathogenic. Last evaluated: 2024-03-13. Review status: criteria provided, single submitter. Criteria: Invitae Variant Classification Sherloc (09022015). Collection method: clinical testing. Allele origin: germline.
Comment: This sequence change creates a premature translational stop signal (p.Gln281*) in the F11 gene. It is expected to result in an absent or disrupted protein product. Loss-of-function variants in F11 are known to be pathogenic (PMID: 23929304). This variant is present in population databases (rs770505620, gnomAD 0.1%). This premature translational stop signal has been observed in individuals with Factor XI deficiency (PMID: 10706758, 21668437, 25681615). This variant is also known as p.Gln263*. ClinVar contains an entry for this variant (Variation ID: 449563). Algorithms developed to predict the effect of sequence changes on RNA splicing suggest that this variant may disrupt the consensus splice site. For these reasons, this variant has been classified as Pathogenic.

Department of Pathology and Laboratory Medicine, Sinai Health System
Classification: Pathogenic for Hereditary factor XI deficiency disease. Last evaluated: 2022-06-21. Review status: criteria provided, single submitter. Criteria: ACMG Guidelines, 2015. Collection method: research. Allele origin: germline.

Fulgent Genetics
Classification: Pathogenic for Hereditary factor XI deficiency disease. Last evaluated: 2022-03-21. Review status: criteria provided, single submitter. Criteria: ACMG Guidelines, 2015. Collection method: clinical testing. Allele origin: unknown.

Revvity Omics, Revvity
Classification: Pathogenic for Hereditary factor XI deficiency disease. Last evaluated: 2021-12-20. Review status: criteria provided, single submitter. Criteria: ACMG Guidelines, 2015. Collection method: clinical testing. Allele origin: germline.

Juno Genomics, Hangzhou Juno Genomics, Inc
Classification: Pathogenic for Hereditary factor XI deficiency disease. Review status: criteria provided, single submitter. Criteria: ACMG Guidelines, 2015. Collection method: clinical testing. Allele origin: germline.
Comment: Absent from controls (or at extremely low frequency if recessive) in Genome Aggregation Database.;Null variant in a gene where loss of function (LOF) is a known mechanism of disease.;The prevalence of the variant in affected individuals is significantly increased compared to the prevalence in controls.;For recessive disorders, detected in trans with a pathogenic variant.

Literature cited by the submitters: PubMed 27067486 (cited by Natera, Inc.); PubMed 23929304 (cited by Labcorp Genetics (formerly Invitae), Labcorp); PubMed 10706758 (cited by Labcorp Genetics (formerly Invitae), Labcorp); PubMed 21668437 (cited by Labcorp Genetics (formerly Invitae), Labcorp); PubMed 25681615 (cited by Labcorp Genetics (formerly Invitae), Labcorp).